The following is an entry in ClinVar:

ClinVar aggregate classification (germline): Pathogenic (1 of 4 stars; one submission).

Conditions:
Familial adenomatous polyposis 1 (FAP1). Also called: FAMILIAL ADENOMATOUS POLYPOSIS 1, ATTENUATED; POLYPOSIS, ADENOMATOUS INTESTINAL. Identifiers: MedGen C2713442, MONDO:0021056, OMIM 175100. Disease mechanism: loss of function.

Submission:

Labcorp Genetics (formerly Invitae), Labcorp
Classification: Pathogenic for Familial adenomatous polyposis 1. Last evaluated: 2016-08-07. Review status: criteria provided, single submitter. Criteria: Invitae Variant Classification Sherloc (09022015). Collection method: clinical testing. Allele origin: germline.
Comment: This variant is a gross deletion of the genomic region encompassing exons 2-9 of the APC gene, which includes the initiator codon. The 5' end of this event is unknown as it extends beyond the assayed region for this gene and therefore may encompass additional genes. The 3' boundary is likely confined to intron 9 of the APC gene. This is expected to result in an absent or disrupted protein product. Exon-level deletions and truncating variants in APC are known to be pathogenic. A similar deletion of the 5'-UTR region to exon 9 (described as c.-85-308-?_933+?del, 5'UTR-8) has been reported in the literature in an individual being evaluated for familial adenomatous polyposis (PMID: 23159591). For these reasons, this variant has been classified as Pathogenic.

NC_000005.10:g.(?_112737859)_(112815593_?)del

Gene: APC (APC regulator of Wnt signaling pathway; plus strand). Cytogenetic location: 5q22.2.
Variant type: Deletion.
Identifiers: ClinVar variation 417561 (VCV000417561.1).